The following is an entry in ClinVar:

ClinVar aggregate classification (germline): Uncertain significance (1 of 4 stars; one submission).

Conditions:
Developmental and epileptic encephalopathy, 32 (DEE32). Also called: Epileptic encephalopathy, early infantile, 32. Identifiers: Orphanet 442835, MedGen C4225350, MONDO:0014607, OMIM 616366.

Submission:

Labcorp Genetics (formerly Invitae), Labcorp
Classification: Uncertain significance for Developmental and epileptic encephalopathy, 32. Last evaluated: 2024-11-25. Review status: criteria provided, single submitter. Criteria: Invitae Variant Classification Sherloc (09022015). Collection method: clinical testing. Allele origin: germline.
Comment: This sequence change replaces phenylalanine, which is neutral and non-polar, with leucine, which is neutral and non-polar, at codon 153 of the KCNA2 protein (p.Phe153Leu). This variant is not present in population databases (gnomAD no frequency). This variant has not been reported in the literature in individuals affected with KCNA2-related conditions. Invitae Evidence Modeling of protein sequence and biophysical properties (such as structural, functional, and spatial information, amino acid conservation, physicochemical variation, residue mobility, and thermodynamic stability) has been performed for this missense variant. However, the output from this modeling did not meet the statistical confidence thresholds required to predict the impact of this variant on KCNA2 protein function. In summary, the available evidence is currently insufficient to determine the role of this variant in disease. Therefore, it has been classified as a Variant of Uncertain Significance.

NM_004974.4(KCNA2):c.457T>C (p.Phe153Leu)

Gene: KCNA2 (potassium voltage-gated channel subfamily A member 2; minus strand). Cytogenetic location: 1p13.3.
Variant type: single nucleotide variant.
Coding change: c.457T>C on transcript NM_004974.4 (MANE Select); coding-DNA position 457, T replaced by C.
Protein change: p.Phe153Leu; replaces phenylalanine 153 with leucine.
Molecular consequence: missense variant.
Genome position (GRCh38, 1-based): chr1:110,604,326, A>G on the plus strand (T>C on the coding strand, the complement: KCNA2 is on the minus strand). VCF-style: chr1-110604326-A-G. GRCh37 (hg19) VCF-style: chr1-111146948-A-G.
Other names: c.457T>C, p.Phe153Leu (NM_001204269.2); short protein forms F153L.
Identifiers: ClinVar variation 3720963 (VCV003720963.2).